The following is an entry in ClinVar:

ClinVar aggregate classification (germline): Uncertain significance. Review status: criteria provided, multiple submitters, no conflicts (2 of 4 stars). 3 submissions from 3 submitters: Uncertain significance (3). Last evaluated 2025-09-06.

Conditions:
Familial cancer of breast. Also called: hereditary breast carcinoma; Hereditary breast cancer; BREAST CANCER, FAMILIAL. Identifiers: Orphanet 227535, MedGen C0346153, MONDO:0016419, OMIM 114480. Disease mechanism: loss of function.
Hereditary cancer-predisposing syndrome. Also called: Tumor predisposition; Hereditary neoplastic syndrome; Hereditary Cancer Syndrome; Neoplastic Syndromes, Hereditary. Identifiers: Orphanet 140162, MedGen C0027672, MeSH D009386, MONDO:0015356.

Submissions (3):

Labcorp Genetics (formerly Invitae), Labcorp
Classification: Uncertain significance for Familial cancer of breast. Last evaluated: 2025-09-06. Review status: criteria provided, single submitter. Criteria: Invitae Variant Classification Sherloc (09022015). Collection method: clinical testing. Allele origin: germline.
Comment: This variant, c.1206_1208del, results in the deletion of 1 amino acid(s) of the PALB2 protein (p.Leu403del), but otherwise preserves the integrity of the reading frame. This variant is not present in population databases (gnomAD no frequency). This variant has been observed in individual(s) with clinical features of PALB2-related conditions (PMID: 36627197). ClinVar contains an entry for this variant (Variation ID: 1171220). Experimental studies and prediction algorithms are not available or were not evaluated, and the functional significance of this variant is currently unknown. In summary, the available evidence is currently insufficient to determine the role of this variant in disease. Therefore, it has been classified as a Variant of Uncertain Significance.

Color Diagnostics, LLC DBA Color Health
Classification: Uncertain significance for Hereditary cancer-predisposing syndrome. Last evaluated: 2020-12-07. Review status: criteria provided, single submitter. Criteria: ACMG Guidelines, 2015. Collection method: clinical testing. Allele origin: germline.
Comment: This variant deletes 2 nucleotides in exon 4 of the PALB2 gene resulting in the deletion of a leucine in the PALB2 protein. To our knowledge, functional studies have not been reported for this variant. This variant has not been reported in individuals affected with hereditary cancer in the literature. This variant has not been identified in the general population by the Genome Aggregation Database (gnomAD). The available evidence is insufficient to determine the role of this variant in disease conclusively. Therefore, this variant is classified as a Variant of Uncertain Significance.

Ambry Genetics
Classification: Uncertain significance for Hereditary cancer-predisposing syndrome. Last evaluated: 2020-04-28. Review status: criteria provided, single submitter. Criteria: Ambry Variant Classification Scheme 2023. Collection method: clinical testing. Allele origin: germline.
Comment: The c.1206_1208delTCT variant (also known as p.L403del) is located in coding exon 4 of the PALB2 gene. This variant results from an in-frame TCT deletion at nucleotide positions 1206 to 1208. This results in the in-frame deletion of a leucine at codon 403. This amino acid position is not well conserved in available vertebrate species. In addition, this alteration is predicted to be deleterious by in silico analysis (Choi Y et al. PLoS ONE. 2012; 7(10):e46688). Since supporting evidence is limited at this time, the clinical significance of this alteration remains unclear.

Literature cited by the submitters: PubMed 36627197 (cited by Labcorp Genetics (formerly Invitae), Labcorp).

NM_024675.4(PALB2):c.1206_1208del (p.Leu403del)

Gene: PALB2 (partner and localizer of BRCA2; minus strand). Cytogenetic location: 16p12.2.
Variant type: Deletion.
Coding change: c.1206_1208del on transcript NM_024675.4 (MANE Select); coding-DNA positions 1206 to 1208, 3 bases deleted (TCT; older notation c.1206_1208delTCT).
Protein change: p.Leu403del; deletes leucine 403.
Molecular consequence: inframe deletion.
Genome position (GRCh38, 1-based): chr16:23,635,338-23,635,340, AGA deleted on the plus strand (TCT on the coding strand, the reverse complement: PALB2 is on the minus strand); deleting any 3 consecutive bases within chr16:23,635,338-23,635,342 gives the same sequence; the c. name uses the placement nearest the transcript's 3' end. VCF-style (leftmost placement, unchanged base first): chr16-23635337-CAGA-C. GRCh37 (hg19) VCF-style: chr16-23646658-CAGA-C.
Other names: c.1206_1208delTCT (NM_024675.3); short protein forms L403del.
Identifiers: ClinVar variation 1171220 (VCV001171220.13), dbSNP rs2142422725, ClinGen allele CA2499223440.